The following is an entry in ClinVar:

NM_153365.3(TAPT1):c.1156C>T (p.Arg386Ter)

Gene: TAPT1 (transmembrane anterior posterior transformation 1; minus strand). Cytogenetic location: 4p15.32.
Variant type: single nucleotide variant.
Coding change: c.1156C>T on transcript NM_153365.3 (MANE Select); coding-DNA position 1156, C replaced by T.
Protein change: p.Arg386Ter; replaces arginine 386 with a stop codon.
Molecular consequence: nonsense.
Genome position (GRCh38, 1-based): chr4:16,174,681, G>A on the plus strand (C>T on the coding strand, the complement: TAPT1 is on the minus strand). VCF-style: chr4-16174681-G-A. GRCh37 (hg19) VCF-style: chr4-16176304-G-A.
Other names: short protein forms R386*.
Identifiers: ClinVar variation 1252088 (VCV001252088.2), dbSNP rs1265664823, ClinGen allele CA356494031.

ClinVar aggregate classification (germline): Likely pathogenic. Review status: criteria provided, single submitter (1 of 4 stars). 2 submissions from 1 submitter: Likely pathogenic (1). 1 of the submissions does not count toward it. Last evaluated 2024-03-14.

Conditions:
Complex lethal osteochondrodysplasia. Also called: Osteochondrodysplasia, complex lethal, symoens-barnes-gistelinck type. Identifiers: Orphanet 457378, MedGen C4225162, MONDO:0014821, OMIM 616897.

Allele frequency attached by ClinVar (database versions not stated): gnomAD exomes below 0.00001; TOPMed below 0.00001.
gnomAD v4.1: 2 of 1,591,446 alleles (0.00013%); highest among the groups gnomAD compares: Non-Finnish European, 0.000086%; no homozygotes.

Submissions (2):

Genomic Medicine Center of Excellence, King Faisal Specialist Hospital and Research Centre
Classification: Likely pathogenic for Osteochondrodysplasia, complex lethal, Symoens-Barnes-Gistelinck type. Last evaluated: 2024-03-14. Review status: criteria provided, single submitter. Criteria: ACMG Guidelines, 2015. Collection method: clinical testing. Allele origin: germline.

Genomic Medicine Center of Excellence, King Faisal Specialist Hospital and Research Centre
Classification: Pathogenic for Complex lethal osteochondrodysplasia. Last evaluated: 2021-04-29. Review status: flagged submission. Collection method: research. Allele origin: germline. Affected: yes. Not counted in ClinVar's aggregate classification.
ClinVar note: Reason: This record appears to be redundant with a more recent record from the same submitter.
ClinVar note: Notes: SCV001870525 appears to be redundant with SCV005016553.